The following is an entry in ClinVar:

ClinVar aggregate classification (germline): Uncertain significance (1 of 4 stars; one submission).

Conditions:
Inborn genetic diseases. Identifiers: MedGen C0950123, MeSH D030342.

Submission:

Ambry Genetics
Classification: Uncertain significance for Inborn genetic diseases. Last evaluated: 2021-12-29. Review status: criteria provided, single submitter. Criteria: Ambry Variant Classification Scheme 2023. Collection method: clinical testing. Allele origin: germline.
Comment: The p.L523V variant (also known as c.1567C>G), located in coding exon 17 of the ERCC2 gene, results from a C to G substitution at nucleotide position 1567. The leucine at codon 523 is replaced by valine, an amino acid with highly similar properties. This amino acid position is conserved. In addition, the in silico prediction for this alteration is inconclusive. Since supporting evidence is limited at this time, the clinical significance of this alteration remains unclear.

NM_000400.4(ERCC2):c.1567C>G (p.Leu523Val)

Gene: ERCC2 (ERCC excision repair 2, TFIIH core complex helicase subunit; minus strand). Cytogenetic location: 19q13.32.
Variant type: single nucleotide variant.
Coding change: c.1567C>G on transcript NM_000400.4 (MANE Select); coding-DNA position 1567, C replaced by G.
Protein change: p.Leu523Val; replaces leucine 523 with valine.
Molecular consequence: missense variant.
Genome position (GRCh38, 1-based): chr19:45,354,828, G>C on the plus strand (C>G on the coding strand, the complement: ERCC2 is on the minus strand). VCF-style: chr19-45354828-G-C. GRCh37 (hg19) VCF-style: chr19-45858086-G-C.
Other names: short protein forms L523V.
Identifiers: ClinVar variation 1775397 (VCV001775397.2), dbSNP rs748368283, ClinGen allele CA406365539.